The following is an entry in ClinVar:

NM_006087.4(TUBB4A):c.16C>T (p.His6Tyr)

Genes: TUBB4A (tubulin beta 4A class IVa; minus strand), LOC130063295 (ATAC-STARR-seq lymphoblastoid silent region 9955; plus strand). Cytogenetic location: 19p13.3.
Variant type: single nucleotide variant.
Coding change: c.16C>T on transcript NM_006087.4 (MANE Select); coding-DNA position 16, C replaced by T.
Protein change: p.His6Tyr; replaces histidine 6 with tyrosine.
Molecular consequence: missense variant. On other transcripts: 5 prime UTR variant (2).
Genome position (GRCh38, 1-based): chr19:6,502,197, G>A on the plus strand (C>T on the coding strand, the complement: TUBB4A is on the minus strand). VCF-style: chr19-6502197-G-A. GRCh37 (hg19) VCF-style: chr19-6502208-G-A.
Other names: c.169C>T, p.His57Tyr (NM_001289123.2); c.151C>T, p.His51Tyr (NM_001289127.2); c.16C>T, p.His6Tyr (NM_001289129.2); c.-158C>T (NM_001289130.2); c.-125C>T (NM_001289131.2); short protein forms H51Y, H57Y, H6Y.
Identifiers: ClinVar variation 3363489 (VCV003363489.2).

ClinVar aggregate classification (germline): Uncertain significance (1 of 4 stars; one submission).

Submission:

GeneDx
Classification: Uncertain significance. Last evaluated: 2026-07-20. Review status: criteria provided, single submitter. Criteria: GeneDx Variant Classification Process June 2021. Collection method: clinical testing. Allele origin: germline.
Comment: Not observed at significant frequency in large population cohorts (gnomAD); In silico analysis suggests that this missense variant does not alter protein structure/function; Has not been previously published as pathogenic or benign to our knowledge